The following is an entry in ClinVar:

ClinVar aggregate classification (germline): Pathogenic. Review status: criteria provided, multiple submitters, no conflicts (2 of 4 stars). 2 submissions from 2 submitters: Pathogenic (2). Last evaluated 2026-03-30.

Conditions:
Inborn genetic diseases. Identifiers: MedGen C0950123, MeSH D030342.
COG5-congenital disorder of glycosylation. Also called: CDG IIi; CONGENITAL DISORDER OF GLYCOSYLATION, TYPE IIi; COG5-CDG. Identifiers: Orphanet 263487, MedGen C3150876, MONDO:0013325, OMIM 613612.

Allele frequency attached by ClinVar (database versions not stated): ExAC 0.00001.
gnomAD v4.1: 2 of 1,613,834 alleles (0.00012%); highest among the groups gnomAD compares: South Asian, 0.0011%; no homozygotes.

Submissions (2):

Ambry Genetics
Classification: Pathogenic for Inborn genetic diseases. Last evaluated: 2026-03-30. Review status: criteria provided, single submitter. Criteria: Ambry Variant Classification Scheme 2023. Collection method: clinical testing. Allele origin: germline.
Comment: The c.1341T>G (p.Y447*) alteration, located in exon 12 (coding exon 12) of the COG5 gene, consists of a T to G substitution at nucleotide position 1341. This changes the amino acid from a tyrosine (Y) to a stop codon at amino acid position 447. This variant is expected to result in loss of function by premature protein truncation or nonsense-mediated mRNA decay. Based on data from gnomAD, the G allele has an overall frequency of <0.001% (1/251292) total alleles studied. The highest observed frequency was 0.003% (1/30612) of South Asian alleles. Based on the available evidence, this alteration is classified as pathogenic.

Labcorp Genetics (formerly Invitae), Labcorp
Classification: Pathogenic for COG5-congenital disorder of glycosylation. Last evaluated: 2022-04-23. Review status: criteria provided, single submitter. Criteria: Invitae Variant Classification Sherloc (09022015). Collection method: clinical testing. Allele origin: germline.
Comment: This sequence change creates a premature translational stop signal (p.Tyr447*) in the COG5 gene. It is expected to result in an absent or disrupted protein product. Loss-of-function variants in COG5 are known to be pathogenic (PMID: 23228021). This variant is present in population databases (rs749787793, gnomAD 0.003%). This variant has not been reported in the literature in individuals affected with COG5-related conditions. For these reasons, this variant has been classified as Pathogenic.

Literature cited by the submitters: PubMed 23228021 (cited by Labcorp Genetics (formerly Invitae), Labcorp).

NM_006348.5(COG5):c.1248T>G (p.Tyr416Ter)

Gene: COG5 (component of oligomeric golgi complex 5; minus strand). Cytogenetic location: 7q22.3.
Variant type: single nucleotide variant.
Coding change: c.1248T>G on transcript NM_006348.5 (MANE Select); coding-DNA position 1248, T replaced by G.
Protein change: p.Tyr416Ter; replaces tyrosine 416 with a stop codon.
Molecular consequence: nonsense.
Genome position (GRCh38, 1-based): chr7:107,298,207, A>C on the plus strand (T>G on the coding strand, the complement: COG5 is on the minus strand). VCF-style: chr7-107298207-A-C. GRCh37 (hg19) VCF-style: chr7-106938652-A-C.
Other names: c.1341T>G (NM_006348.3); c.1248T>G, p.Tyr416Ter (NM_001161520.2, NM_001379511.1, NM_001379512.1 and 3 more transcripts); c.678T>G, p.Tyr226Ter (NM_001379515.1); c.534T>G, p.Tyr178Ter (NM_001379516.1); short protein forms Y226*, Y178*, Y416*.
Identifiers: ClinVar variation 2086480 (VCV002086480.5), dbSNP rs749787793, ClinGen allele CA4430971.
Genomic context (GRCh38, chr7:107,298,207, plus strand): 5'-ATCTGGCTTTTTTGGTATGAATATATCTTGTGCATCATCTTCCATGTGTTGTAGGTCAAC[A>C]TAGAGGTCTGTAGTTCCACTTGCATTAAAATTCCCTTGGATATGCTGACTGTATTGTTGA-3'